The following is an entry in ClinVar:

ClinVar aggregate classification (germline): Uncertain significance (1 of 4 stars; one submission).

Conditions:
Lysinuric protein intolerance (LPI). Identifiers: Orphanet 470, MedGen C0268647, MONDO:0009109, OMIM 222700.

Allele frequency attached by ClinVar (database versions not stated): gnomAD exomes below 0.00001.
gnomAD v4.1: 1 of 1,612,228 alleles (0.000062%); highest among the groups gnomAD compares: Non-Finnish European, 0.000085%; no homozygotes.

Submission:

Labcorp Genetics (formerly Invitae), Labcorp
Classification: Uncertain significance for Lysinuric protein intolerance. Last evaluated: 2021-12-03. Review status: criteria provided, single submitter. Criteria: Invitae Variant Classification Sherloc (09022015). Collection method: clinical testing. Allele origin: germline.
Comment: This sequence change falls in intron 10 of the SLC7A7 gene. It does not directly change the encoded amino acid sequence of the SLC7A7 protein. This variant is not present in population databases (gnomAD no frequency). This variant has not been reported in the literature in individuals affected with SLC7A7-related conditions. Algorithms developed to predict the effect of sequence changes on RNA splicing suggest that this variant may create or strengthen a splice site. In summary, the available evidence is currently insufficient to determine the role of this variant in disease. Therefore, it has been classified as a Variant of Uncertain Significance.

NM_003982.4(SLC7A7):c.1430-20A>G

Gene: SLC7A7 (solute carrier family 7 member 7; minus strand). Cytogenetic location: 14q11.2.
Variant type: single nucleotide variant.
Coding change: c.1430-20A>G on transcript NM_003982.4 (MANE Select); 20 bases into the intron before coding-DNA position 1430, A replaced by G.
Molecular consequence: intron variant.
Genome position (GRCh38, 1-based): chr14:22,773,736, T>C on the plus strand (A>G on the coding strand, the complement: SLC7A7 is on the minus strand). VCF-style: chr14-22773736-T-C. GRCh37 (hg19) VCF-style: chr14-23242945-T-C.
Other names: c.1430-20A>G (NM_001126106.4, NM_001126105.3).
Identifiers: ClinVar variation 1445370 (VCV001445370.3), dbSNP rs2139382380, ClinGen allele CA2573149828.